The following is an entry in ClinVar:

NM_178822.5(IGSF10):c.6591T>G (p.Ser2197=)

Gene: IGSF10 (immunoglobulin superfamily member 10; minus strand). Cytogenetic location: 3q25.1.
Variant type: single nucleotide variant.
Coding change: c.6591T>G on transcript NM_178822.5 (MANE Select); coding-DNA position 6591, T replaced by G.
Protein change: p.Ser2197=; no amino-acid change (serine 2197 retained).
Molecular consequence: synonymous variant.
Genome position (GRCh38, 1-based): chr3:151,437,970, A>C on the plus strand (T>G on the coding strand, the complement: IGSF10 is on the minus strand). VCF-style: chr3-151437970-A-C. GRCh37 (hg19) VCF-style: chr3-151155758-A-C.
Other names: c.6591T>G (NM_178822.4); c.528T>G, p.Ser176= (NM_001178145.3, NM_001178146.3); c.6591T>G, p.Ser2197= (NM_001385060.1, NM_001385061.1, NM_001385062.1 and 1 more transcripts).
Identifiers: ClinVar variation 1599482 (VCV001599482.11), dbSNP rs9864533, ClinGen allele CA2669476.

ClinVar aggregate classification (germline): Benign. Review status: criteria provided, multiple submitters, no conflicts (2 of 4 stars). 3 submissions from 3 submitters: Benign (2). 1 of the submissions does not count toward it. Last evaluated 2026-02-02.

Conditions:
IGSF10-related disorder. Also called: IGSF10-related condition.

Allele frequency attached by ClinVar (database versions not stated): gnomAD exomes 0.09182 and 0.13747; ESP Exome Variant Server 0.10326; TOPMed 0.13102; ExAC 0.13353; 1000 Genomes Project 0.20667; 1000 Genomes Project 30x 0.20706; gnomAD 0.11873 and 0.12365.
gnomAD v4.1: 153,760 of 1,614,066 alleles (9.5%); highest among the groups gnomAD compares: East Asian, 39%; 10,911 homozygotes.

Submissions (3):

Labcorp Genetics (formerly Invitae), Labcorp
Classification: Benign. Last evaluated: 2026-02-02. Review status: criteria provided, single submitter. Criteria: Invitae Variant Classification Sherloc (09022015). Collection method: clinical testing. Allele origin: germline.

Breakthrough Genomics
Classification: Benign. Review status: criteria provided, single submitter. Criteria: ACMG Guidelines, 2015. Collection method: not provided. Allele origin: germline. Inheritance: Unknown mechanism. Affected: yes.

PreventionGenetics, part of Exact Sciences
Classification: Benign for IGSF10-related condition. Last evaluated: 2019-04-01. Review status: no assertion criteria provided. Collection method: clinical testing. Allele origin: germline. Not counted in ClinVar's aggregate classification.
Comment: This variant is classified as benign based on ACMG/AMP sequence variant interpretation guidelines (Richards et al. 2015 PMID: 25741868, with internal and published modifications).